The following is an entry in ClinVar:

ClinVar aggregate classification (germline): Conflicting classifications of pathogenicity. Review status: criteria provided, conflicting classifications (1 of 4 stars). 3 submissions from 3 submitters: Uncertain significance (2); Likely benign (1). Last evaluated 2025-12-24.

Conditions:
Catecholaminergic polymorphic ventricular tachycardia (CVPT). Also called: Catecholamine-induced polymorphic ventricular tachycardia. Identifiers: Orphanet 3286, MedGen C5574922, MONDO:0017990.
Catecholaminergic polymorphic ventricular tachycardia 1. Also called: VENTRICULAR TACHYCARDIA, CATECHOLAMINERGIC POLYMORPHIC, 1, WITH OR WITHOUT ATRIAL DYSFUNCTION AND/OR DILATED CARDIOMYOPATHY; RYR2-Related Catecholaminergic Polymorphic Ventricular Tachycardia; VENTRICULAR TACHYCARDIA, STRESS-INDUCED POLYMORPHIC 1. Identifiers: Orphanet 3286, MedGen C1631597, MONDO:0011484, OMIM 604772.
Cardiomyopathy (CMYO). Also called: Cardiomyopathies. Identifiers: Orphanet 167848, MedGen C0878544, MONDO:0004994, HP:0001638. Inheritance: Various modes of inheritance.

gnomAD v4.1: 24 of 1,563,650 alleles (0.0015%); highest among the groups gnomAD compares: Non-Finnish European, 0.0018%; no homozygotes.

Submissions (3):

Labcorp Genetics (formerly Invitae), Labcorp
Classification: Likely benign for Catecholaminergic polymorphic ventricular tachycardia 1. Last evaluated: 2025-12-24. Review status: criteria provided, single submitter. Criteria: Invitae Variant Classification Sherloc (09022015). Collection method: clinical testing. Allele origin: germline.

Color Diagnostics, LLC DBA Color Health
Classification: Uncertain significance for Cardiomyopathy. Last evaluated: 2025-03-31. Review status: criteria provided, single submitter. Criteria: ACMG Guidelines, 2015. Collection method: clinical testing. Allele origin: germline.
Comment: This variant causes a T to G nucleotide substitution at the -11 position of intron 89 of the RYR2 gene. To our knowledge, functional studies have not been reported for this variant. This variant has not been reported in individuals affected with RYR2-related disorders in the literature. This variant has been identified in 4/218184 chromosomes in the general population by the Genome Aggregation Database (gnomAD). The available evidence is insufficient to determine the role of this variant in disease conclusively. Therefore, this variant is classified as a Variant of Uncertain Significance.

All of Us Research Program, National Institutes of Health
Classification: Uncertain significance for Catecholaminergic polymorphic ventricular tachycardia. Last evaluated: 2023-12-18. Review status: criteria provided, single submitter. Criteria: ACMG Guidelines, 2015. Collection method: clinical testing. Allele origin: germline. Inheritance: Autosomal dominant inheritance. Observed: 5 variant alleles, 5 heterozygotes.
Comment: This variant causes a T>G nucleotide substitution at the -11 position of intron 89 of the RYR2 gene. Splice prediction tools and conservation analysis are inconclusive regarding the impact of this variant on RNA splicing. To our knowledge, functional studies have not been performed for this variant. This variant has not been reported in individuals affected with cardiovascular disorders in the literature. This variant has been identified in 4/218184 chromosomes in the general population by the Genome Aggregation Database (gnomAD). The available evidence is insufficient to determine the role of this variant in disease conclusively. Therefore, this variant is classified as a Variant of Uncertain Significance.

This study involves interpretation of variants in research participants for the purpose of population health screening. Participant phenotype was not available at the time of variant classification. Additional details can be found in publication PMID: 35346344, PMCID: PMC8962531

NM_001035.3(RYR2):c.11963-11T>G

Gene: RYR2 (ryanodine receptor 2; plus strand). Cytogenetic location: 1q43.
Variant type: single nucleotide variant.
Coding change: c.11963-11T>G on transcript NM_001035.3 (MANE Select); 11 bases into the intron before coding-DNA position 11963, T replaced by G.
Molecular consequence: intron variant.
Genome position (GRCh38, 1-based): chr1:237,783,664, T>G. VCF-style: chr1-237783664-T-G. GRCh37 (hg19) VCF-style: chr1-237946964-T-G.
Identifiers: ClinVar variation 925701 (VCV000925701.14), dbSNP rs790889, ClinGen allele CA085098.